The following is an entry in ClinVar:

ClinVar aggregate classification (germline): Uncertain significance (0 of 4 stars; one submission).

Conditions:
FZR1-related condition.

Submission:

PreventionGenetics, part of Exact Sciences
Classification: Uncertain significance for FZR1-related condition. Last evaluated: 2024-03-11. Review status: no assertion criteria provided. Collection method: clinical testing. Allele origin: germline.
Comment: The FZR1 c.659C>T variant is predicted to result in the amino acid substitution p.Thr220Met. To our knowledge, this variant has not been reported in the literature or in a large population database, indicating this variant is rare. At this time, the clinical significance of this variant is uncertain due to the absence of conclusive functional and genetic evidence.

NM_016263.4(FZR1):c.659C>T (p.Thr220Met)

Gene: FZR1 (fizzy and cell division cycle 20 related 1; plus strand). Cytogenetic location: 19p13.3.
Variant type: single nucleotide variant.
Coding change: c.659C>T on transcript NM_016263.4 (MANE Select); coding-DNA position 659, C replaced by T.
Protein change: p.Thr220Met; replaces threonine 220 with methionine.
Molecular consequence: missense variant.
Genome position (GRCh38, 1-based): chr19:3,530,796, C>T. VCF-style: chr19-3530796-C-T. GRCh37 (hg19) VCF-style: chr19-3530794-C-T.
Other names: c.392C>T, p.Thr131Met (NM_001136197.1); c.659C>T, p.Thr220Met (NM_001136198.1); short protein forms T131M, T220M.
Identifiers: ClinVar variation 3349234 (VCV003349234.1).
Genomic context (GRCh38, chr19:3,530,796, plus strand): 5'-GGATAGACTGGGGCTTCGAGACCAGCGGCAAAGCTCACACTGACCTCTGCCTCCAGGTGA[C>T]GCGGCTCTGTGACCTCTCAGTGGAAGGGGACTCAGTGACCTCCGTGGGCTGGTCTGAGCG-3'
Protein context (NP_057347.2, residues 210-230): YLWSACTSQV[Thr220Met]RLCDLSVEGD